The following is an entry in ClinVar:

NM_002878.4(RAD51D):c.511C>T (p.His171Tyr)

Genes: RAD51D (RAD51 paralog D; minus strand), RAD51L3-RFFL (RAD51L3-RFFL readthrough; minus strand). Cytogenetic location: 17q12.
Variant type: single nucleotide variant.
Coding change: c.511C>T on transcript NM_002878.4 (MANE Select); coding-DNA position 511, C replaced by T.
Protein change: p.His171Tyr; replaces histidine 171 with tyrosine.
Molecular consequence: missense variant. On other transcripts: non-coding transcript variant (3).
Genome position (GRCh38, 1-based): chr17:35,106,451, G>A on the plus strand (C>T on the coding strand, the complement: RAD51D is on the minus strand). VCF-style: chr17-35106451-G-A. GRCh37 (hg19) VCF-style: chr17-33433470-G-A.
Other names: c.571C>T, p.His191Tyr (NM_001142571.2); c.175C>T, p.His59Tyr (NM_133629.3); short protein forms H171Y, H59Y, H191Y.
Identifiers: ClinVar variation 484776 (VCV000484776.11), dbSNP rs1555568159, ClinGen allele CA399088902.

ClinVar aggregate classification (germline): Conflicting classifications of pathogenicity. Review status: criteria provided, conflicting classifications (1 of 4 stars). 3 submissions from 3 submitters: Uncertain significance (2); Likely benign (1). Last evaluated 2025-11-13.

Conditions:
Hereditary cancer-predisposing syndrome. Also called: Neoplastic Syndromes, Hereditary; Tumor predisposition; Hereditary Cancer Syndrome; Hereditary neoplastic syndrome. Identifiers: Orphanet 140162, MedGen C0027672, MeSH D009386, MONDO:0015356.
Breast-ovarian cancer, familial, susceptibility to, 4. Identifiers: Orphanet 145, MedGen C3280345, MONDO:0013669, OMIM 614291.

Submissions (3):

Ambry Genetics
Classification: Likely benign for Hereditary cancer-predisposing syndrome. Last evaluated: 2025-11-13. Review status: criteria provided, single submitter. Criteria: Ambry Variant Classification Scheme 2023. Collection method: clinical testing. Allele origin: germline.

Labcorp Genetics (formerly Invitae), Labcorp
Classification: Uncertain significance for Breast-ovarian cancer, familial, susceptibility to, 4. Last evaluated: 2024-09-24. Review status: criteria provided, single submitter. Criteria: Invitae Variant Classification Sherloc (09022015). Collection method: clinical testing. Allele origin: germline.
Comment: This sequence change replaces histidine, which is basic and polar, with tyrosine, which is neutral and polar, at codon 171 of the RAD51D protein (p.His171Tyr). This variant is not present in population databases (gnomAD no frequency). This variant has not been reported in the literature in individuals affected with RAD51D-related conditions. ClinVar contains an entry for this variant (Variation ID: 484776). Invitae Evidence Modeling of protein sequence and biophysical properties (such as structural, functional, and spatial information, amino acid conservation, physicochemical variation, residue mobility, and thermodynamic stability) indicates that this missense variant is not expected to disrupt RAD51D protein function with a negative predictive value of 80%. In summary, the available evidence is currently insufficient to determine the role of this variant in disease. Therefore, it has been classified as a Variant of Uncertain Significance.

Color Diagnostics, LLC DBA Color Health
Classification: Uncertain significance for Hereditary cancer-predisposing syndrome. Last evaluated: 2019-04-03. Review status: criteria provided, single submitter. Criteria: ACMG Guidelines, 2015. Collection method: clinical testing. Allele origin: germline.